The following is an entry in ClinVar:

ClinVar aggregate classification (germline): Uncertain significance. Review status: criteria provided, multiple submitters, no conflicts (2 of 4 stars). 2 submissions from 2 submitters: Uncertain significance (2). Last evaluated 2025-01-01.

Allele frequency attached by ClinVar (database versions not stated): ESP Exome Variant Server 0.00015.
gnomAD v4.1: 24 of 1,614,076 alleles (0.0015%); highest among the groups gnomAD compares: African/African-American, 0.027%; no homozygotes.

Submissions (2):

Ambry Genetics
Classification: Uncertain significance. Last evaluated: 2025-01-01. Review status: criteria provided, single submitter. Criteria: Ambry Variant Classification Scheme 2023. Collection method: clinical testing. Allele origin: germline.

Labcorp Genetics (formerly Invitae), Labcorp
Classification: Uncertain significance. Last evaluated: 2024-11-05. Review status: criteria provided, single submitter. Criteria: Invitae Variant Classification Sherloc (09022015). Collection method: clinical testing. Allele origin: germline.
Comment: This sequence change replaces proline, which is neutral and non-polar, with serine, which is neutral and polar, at codon 933 of the RUSC2 protein (p.Pro933Ser). This variant is present in population databases (rs367982196, gnomAD 0.03%). This variant has not been reported in the literature in individuals affected with RUSC2-related conditions. ClinVar contains an entry for this variant (Variation ID: 1403305). An algorithm developed to predict the effect of missense changes on protein structure and function (PolyPhen-2) suggests that this variant¬†is likely to be tolerated. In summary, the available evidence is currently insufficient to determine the role of this variant in disease. Therefore, it has been classified as a Variant of Uncertain Significance.

NM_014806.5(RUSC2):c.2797C>T (p.Pro933Ser)

Gene: RUSC2 (RUN and SH3 domain containing 2; plus strand). Cytogenetic location: 9p13.3.
Variant type: single nucleotide variant.
Coding change: c.2797C>T on transcript NM_014806.5 (MANE Select); coding-DNA position 2797, C replaced by T.
Protein change: p.Pro933Ser; replaces proline 933 with serine.
Molecular consequence: missense variant. On other transcripts: non-coding transcript variant (1).
Genome position (GRCh38, 1-based): chr9:35,556,092, C>T. VCF-style: chr9-35556092-C-T. GRCh37 (hg19) VCF-style: chr9-35556089-C-T.
Other names: c.2797C>T, p.Pro933Ser (NM_001135999.2); c.163C>T, p.Pro55Ser (NM_001330740.2); c.2797C>T (NM_001135999.1); short protein forms P55S, P933S.
Identifiers: ClinVar variation 1403305 (VCV001403305.7), dbSNP rs367982196, ClinGen allele CA5043956.